The following is an entry in ClinVar:

NM_006267.5(RANBP2):c.9052G>C (p.Glu3018Gln)

Gene: RANBP2 (RAN binding protein 2; plus strand). Cytogenetic location: 2q13.
Variant type: single nucleotide variant.
Coding change: c.9052G>C on transcript NM_006267.5 (MANE Select); coding-DNA position 9052, G replaced by C.
Protein change: p.Glu3018Gln; replaces glutamic acid 3018 with glutamine.
Molecular consequence: missense variant.
Genome position (GRCh38, 1-based): chr2:108,782,545, G>C. VCF-style: chr2-108782545-G-C. GRCh37 (hg19) VCF-style: chr2-109399001-G-C.
Other names: c.9130G>C, p.Glu3044Gln (NM_001415871.1); c.9049G>C, p.Glu3017Gln (NM_001415872.1); c.9076G>C, p.Glu3026Gln (NM_001415873.1); short protein forms E3017Q, E3018Q, E3026Q, E3044Q.
Identifiers: ClinVar variation 2413113 (VCV002413113.4), dbSNP rs2467760886, ClinGen allele CA348085070.
Genomic context (GRCh38, chr2:108,782,545, plus strand): 5'-TTTTAATACTAAGGTCACTGCTTCCCCTTTCCCTCCCTGCCAGATGGAGAAGCAAAAGTA[G>C]AACAGCTTGCAGTGAGATTTAAAACTAAAGAAGTAGCTGATTGTTTCAAGAAAACATTTG-3'
Protein context (NP_006258.3, residues 3008-3028): SDYADGEAKV[Glu3018Gln]QLAVRFKTKE

ClinVar aggregate classification (germline): Uncertain significance (1 of 4 stars; one submission).

Submission:

GeneDx
Classification: Uncertain significance. Last evaluated: 2023-06-15. Review status: criteria provided, single submitter. Criteria: GeneDx Variant Classification Process June 2021. Collection method: clinical testing. Allele origin: germline.
Comment: Not observed at significant frequency in large population cohorts (gnomAD); In silico analysis supports that this missense variant has a deleterious effect on protein structure/function; Has not been previously published as pathogenic or benign to our knowledge